The following is an entry in ClinVar:

ClinVar aggregate classification (germline): Benign/Likely benign. Review status: criteria provided, multiple submitters, no conflicts (2 of 4 stars). 10 submissions from 10 submitters: Benign (6); Likely benign (1). 3 of the submissions do not count toward it. Last evaluated 2026-02-03.

Conditions:
Ovarian neoplasm. Also called: Ovarian tumor; Ovarian Neoplasms; Neoplasm of ovary. Identifiers: MedGen C0919267, MeSH D010051, MONDO:0021068, HP:0100615.
Autosomal recessive juvenile Parkinson disease 2. Also called: PRKN-Related Early-Onset Parkinson Disease; Parkinson disease, juvenile, type 2; PARKINSON DISEASE, JUVENILE, AUTOSOMAL RECESSIVE; Parkinson disease autosomal recessive, early onset; Juvenile parkinsonism; Parkinsonism, early onset, with diurnal fluctuation. Identifiers: Orphanet 2828, MedGen C1868675, MONDO:0010820, OMIM 600116.
Lung cancer. Also called: Malignant tumor of lung; Lung cancer, somatic. Identifiers: MedGen C0242379, MONDO:0008903, OMIM 211980.

Allele frequency attached by ClinVar (database versions not stated): gnomAD 0.02491 and 0.02570; gnomAD exomes 0.02547 and 0.03520; 1000 Genomes Project 30x 0.01312; ExAC 0.02560; ESP Exome Variant Server 0.03206; 1000 Genomes Project 0.01338; TOPMed 0.02391.
gnomAD v4.1: 54,979 of 1,613,134 alleles (3.4%); highest among the groups gnomAD compares: Non-Finnish European, 4.1%; 1,150 homozygotes.

Submissions (10):

Labcorp Genetics (formerly Invitae), Labcorp
Classification: Benign. Last evaluated: 2026-02-03. Review status: criteria provided, single submitter. Criteria: Invitae Variant Classification Sherloc (09022015). Collection method: clinical testing. Allele origin: germline.

Athena Diagnostics
Classification: Benign. Last evaluated: 2025-03-14. Review status: criteria provided, single submitter. Criteria: Athena Diagnostics Criteria. Collection method: clinical testing. Allele origin: unknown.
Comment: The frequency of this variant in the general population is higher than would generally be expected for pathogenic variants in this gene.

Mayo Clinic Laboratories, Mayo Clinic
Classification: Benign. Last evaluated: 2023-02-22. Review status: criteria provided, single submitter. Criteria: ACMG Guidelines, 2015. Collection method: clinical testing. Allele origin: germline. Observed: 42 variant alleles.
Comment: BS1, BS2

Fulgent Genetics
Classification: Likely benign for Ovarian cancer; Lung cancer; Autosomal recessive juvenile Parkinson disease 2. Last evaluated: 2021-10-01. Review status: criteria provided, single submitter. Criteria: ACMG Guidelines, 2015. Collection method: clinical testing. Allele origin: unknown.

Illumina Laboratory Services, Illumina
Classification: Benign for Autosomal recessive juvenile Parkinson disease 2. Last evaluated: 2017-04-27. Review status: criteria provided, single submitter. Criteria: ICSL Variant Classification Criteria 13 December 2019. Collection method: clinical testing. Allele origin: germline.
Comment: This variant was observed as part of a predisposition screen in an ostensibly healthy population. A literature search was performed for the gene, cDNA change, and amino acid change (where applicable). No publications were found based on this search. Allele frequency data from public databases was too high to be consistent with this variant causing disease. Therefore, this variant is classified as benign.

Eurofins Ntd Llc (ga)
Classification: Benign. Last evaluated: 2016-12-01. Review status: criteria provided, single submitter. Criteria: EGL Classification Definitions 2015. Collection method: clinical testing. Allele origin: germline. Observed: 1 variant allele, 1 heterozygote.

PreventionGenetics, part of Exact Sciences
Classification: Benign. Review status: criteria provided, single submitter. Criteria: ACMG Guidelines, 2015. Collection method: clinical testing. Allele origin: germline.

GeneReviews
Classification: Benign for Parkin Type of Early-Onset Parkinson Disease. Last evaluated: 2001-04-17. Review status: no assertion criteria provided. Collection method: curation. Allele origin: unknown. Not counted in ClinVar's aggregate classification.
ClinVar note: Converted during submission from benign to Benign.

Clinical Genetics DNA and cytogenetics Diagnostics Lab, Erasmus MC, Erasmus Medical Center
Classification: Benign. Review status: no assertion criteria provided. Collection method: clinical testing. Allele origin: germline. Affected: yes. Study: VKGL Data-share Consensus. Not counted in ClinVar's aggregate classification.

Genome Diagnostics Laboratory, Amsterdam University Medical Center
Classification: Benign. Review status: no assertion criteria provided. Collection method: clinical testing. Allele origin: germline. Affected: yes. Study: VKGL Data-share Consensus. Not counted in ClinVar's aggregate classification.

Literature cited by the submitters: PubMed 22361577 (cited by Athena Diagnostics); PubMed 24167364 (cited by Athena Diagnostics); PubMed 25238391 (cited by Athena Diagnostics); PubMed 30099245 (cited by Athena Diagnostics); PubMed 12975291 (cited by Athena Diagnostics and Mayo Clinic Laboratories, Mayo Clinic); PubMed 17335904 (cited by Athena Diagnostics); PubMed 16269266 (cited by Athena Diagnostics); PubMed 22813976 (cited by Athena Diagnostics); PubMed 33845304 (cited by Mayo Clinic Laboratories, Mayo Clinic).

NM_004562.3(PRKN):c.1180G>A (p.Asp394Asn)

Gene: PRKN (parkin RBR E3 ubiquitin protein ligase; minus strand). Cytogenetic location: 6q26.
Variant type: single nucleotide variant.
Coding change: c.1180G>A on transcript NM_004562.3 (MANE Select); coding-DNA position 1180, G replaced by A.
Protein change: p.Asp394Asn; replaces aspartic acid 394 with asparagine.
Molecular consequence: missense variant.
Genome position (GRCh38, 1-based): chr6:161,360,193, C>T on the plus strand (G>A on the coding strand, the complement: PRKN is on the minus strand). VCF-style: chr6-161360193-C-T. GRCh37 (hg19) VCF-style: chr6-161781225-C-T.
Other names: c.1096G>A, p.Asp366Asn (NM_013987.3); c.733G>A, p.Asp245Asn (NM_013988.3); short protein forms D394N, D245N, D366N.
Identifiers: ClinVar variation 41222 (VCV000041222.25), dbSNP rs1801334, ClinGen allele CA344225.
Genomic context (GRCh38, chr6:161,360,193, plus strand): 5'-TTTTCTTGATGGTTTCTTTGGAGGCTGCTTCCCAACGAGCCTGCTCGGCGGCTCTTTCAT[C>T]GACTCTGTAGGCCTGGGGAAACAAAGAGGAAAGGCGTTTAATCTCAGCTTTCTATTACTG-3'
Protein context (NP_004553.2, residues 384-404): SGTTTQAYRV[Asp394Asn]ERAAEQARWE